The following is an entry in ClinVar:

ClinVar aggregate classification (germline): Conflicting classifications of pathogenicity. Review status: criteria provided, conflicting classifications (1 of 4 stars). 3 submissions from 3 submitters: Uncertain significance (2); Likely benign (1). Last evaluated 2024-10-31.

Allele frequency attached by ClinVar (database versions not stated): gnomAD 0.00001 and 0.00002; gnomAD exomes 0.00001 and 0.00009; TOPMed 0.00003; ExAC 0.00011.
gnomAD v4.1: 23 of 1,613,142 alleles (0.0014%); highest among the groups gnomAD compares: East Asian, 0.036%; no homozygotes.

Submissions (3):

Blueprint Genetics
Classification: Likely benign. Last evaluated: 2024-10-31. Review status: criteria provided, single submitter. Criteria: ACMG Guidelines, 2015. Collection method: clinical testing. Allele origin: germline.

Ambry Genetics
Classification: Uncertain significance. Last evaluated: 2023-07-17. Review status: criteria provided, single submitter. Criteria: Ambry Variant Classification Scheme 2023. Collection method: clinical testing. Allele origin: germline.

Labcorp Genetics (formerly Invitae), Labcorp
Classification: Uncertain significance. Last evaluated: 2022-04-20. Review status: criteria provided, single submitter. Criteria: Invitae Variant Classification Sherloc (09022015). Collection method: clinical testing. Allele origin: germline.
Comment: This sequence change replaces arginine, which is basic and polar, with glutamine, which is neutral and polar, at codon 1330 of the CEP250 protein (p.Arg1330Gln). This variant is present in population databases (rs763131798, gnomAD 0.1%). This variant has not been reported in the literature in individuals affected with CEP250-related conditions. Algorithms developed to predict the effect of missense changes on protein structure and function output the following: SIFT: "Not Available"; PolyPhen-2: "Benign"; Align-GVGD: "Not Available". The glutamine amino acid residue is found in multiple mammalian species, which suggests that this missense change does not adversely affect protein function. In summary, the available evidence is currently insufficient to determine the role of this variant in disease. Therefore, it has been classified as a Variant of Uncertain Significance.

NM_007186.6(CEP250):c.3989G>A (p.Arg1330Gln)

Gene: CEP250 (centrosomal protein 250; plus strand). Cytogenetic location: 20q11.22.
Variant type: single nucleotide variant.
Coding change: c.3989G>A on transcript NM_007186.6 (MANE Select); coding-DNA position 3989, G replaced by A.
Protein change: p.Arg1330Gln; replaces arginine 1330 with glutamine.
Molecular consequence: missense variant.
Genome position (GRCh38, 1-based): chr20:35,501,935, G>A. VCF-style: chr20-35501935-G-A. GRCh37 (hg19) VCF-style: chr20-34089762-G-A.
Other names: c.2093G>A, p.Arg698Gln (NM_001318219.1); c.3989G>A (NM_007186.3); short protein forms R1330Q, R698Q.
Identifiers: ClinVar variation 1497542 (VCV001497542.6), dbSNP rs763131798, ClinGen allele CA9833628.
Genomic context (GRCh38, chr20:35,501,935, plus strand): 5'-CCCTAGAATCTGAGCTGATGGAACTACATGAAACTATGGCATCCTTACAGAGTCGCCTGC[G>A]GAGAGCAGAGCTACAGCGAATGGAAGCCCAGGTAAAGTGGTACTGGTTTCAGGGAGGGGT-3'
Protein context (NP_009117.2, residues 1320-1340): ETMASLQSRL[Arg1330Gln]RAELQRMEAQ